The following is an entry in ClinVar:

NM_001232.4(CASQ2):c.968A>G (p.Lys323Arg)

Gene: CASQ2 (calsequestrin 2; minus strand). Cytogenetic location: 1p13.1.
Variant type: single nucleotide variant.
Coding change: c.968A>G on transcript NM_001232.4 (MANE Select); coding-DNA position 968, A replaced by G.
Protein change: p.Lys323Arg; replaces lysine 323 with arginine.
Molecular consequence: missense variant.
Genome position (GRCh38, 1-based): chr1:115,702,967, T>C on the plus strand (A>G on the coding strand, the complement: CASQ2 is on the minus strand). VCF-style: chr1-115702967-T-C. GRCh37 (hg19) VCF-style: chr1-116245588-T-C.
Other names: short protein forms K323R.
Identifiers: ClinVar variation 4613800 (VCV004613800.1).
Genomic context (GRCh38, chr1:115,702,967, plus strand): 5'-CAGGGGATACTCACATCTGTGACATTCACCACCCCAATCTGTGGCCTGAATAGGTCAATC[T>C]TGAAAGTCTTCTCCCAGTAGGCAACGAGCTGCAGCAACAAAAAAATAAGATTAGACAGCA-3'
Protein context (NP_001223.2, residues 313-333): LLVAYWEKTF[Lys323Arg]IDLFRPQIGV

ClinVar aggregate classification (germline): Uncertain significance (1 of 4 stars; one submission).

Conditions:
Cardiovascular phenotype. Identifiers: MedGen CN230736.

gnomAD v4.1: 2 of 1,613,448 alleles (0.00012%); highest among the groups gnomAD compares: Non-Finnish European, 0.00017%; no homozygotes.

Submission:

Ambry Genetics
Classification: Uncertain significance for Cardiovascular phenotype. Last evaluated: 2025-10-14. Review status: criteria provided, single submitter. Criteria: Ambry Variant Classification Scheme 2023. Collection method: clinical testing. Allele origin: germline.
Comment: The p.K323R variant (also known as c.968A>G), located in coding exon 10 of the CASQ2 gene, results from an A to G substitution at nucleotide position 968. The lysine at codon 323 is replaced by arginine, an amino acid with highly similar properties. This amino acid position is conserved. In addition, this alteration is predicted to be tolerated by in silico analysis. Based on the available evidence, the clinical significance of this variant remains unclear.